The following is an entry in ClinVar:

NM_020754.4(ARHGAP31):c.1642G>T (p.Ala548Ser)

Gene: ARHGAP31 (Rho GTPase activating protein 31; plus strand). Cytogenetic location: 3q13.33.
Variant type: single nucleotide variant.
Coding change: c.1642G>T on transcript NM_020754.4 (MANE Select); coding-DNA position 1642, G replaced by T.
Protein change: p.Ala548Ser; replaces alanine 548 with serine.
Molecular consequence: missense variant.
Genome position (GRCh38, 1-based): chr3:119,402,394, G>T. VCF-style: chr3-119402394-G-T. GRCh37 (hg19) VCF-style: chr3-119121241-G-T.
Other names: short protein forms A548S.
Identifiers: ClinVar variation 4993993 (VCV004993993.1).

ClinVar aggregate classification (germline): Uncertain significance (1 of 4 stars; one submission).

Conditions:
ARHGAP31-related disorder. Also called: ARHGAP31-related condition.

Submission:

PreventionGenetics, part of Exact Sciences
Classification: Uncertain significance for ARHGAP31-related condition. Last evaluated: 2025-08-20. Review status: criteria provided, single submitter. Criteria: ACMG Guidelines, 2015. Collection method: clinical testing. Allele origin: germline.
Comment: The ARHGAP31 c.1642G>T variant is predicted to result in the amino acid substitution p.Ala548Ser. To our knowledge, this variant has not been reported in the literature or in a large population database (gnomAD), indicating this variant is rare. At this time, the clinical significance of this variant is uncertain due to the absence of conclusive functional and genetic evidence.